The following is an entry in ClinVar:

NM_006348.5(COG5):c.347+4C>A

Gene: COG5 (component of oligomeric golgi complex 5; minus strand). Cytogenetic location: 7q22.3.
Variant type: single nucleotide variant.
Coding change: c.347+4C>A on transcript NM_006348.5 (MANE Select); 4 bases into the intron after coding-DNA position 347, C replaced by A.
Molecular consequence: intron variant.
Genome position (GRCh38, 1-based): chr7:107,548,274, G>T on the plus strand (C>A on the coding strand, the complement: COG5 is on the minus strand). VCF-style: chr7-107548274-G-T. GRCh37 (hg19) VCF-style: chr7-107188719-G-T.
Other names: p.?; c.234+9702C>A (NM_001379516.1); c.347+4C>A (NM_001379515.1, NM_001379511.1, NM_001379512.1 and 4 more transcripts).
Identifiers: ClinVar variation 358473 (VCV000358473.16), dbSNP rs2066735, ClinGen allele CA4431438.

ClinVar aggregate classification (germline): Benign. Review status: criteria provided, multiple submitters, no conflicts (2 of 4 stars). 6 submissions from 6 submitters: Benign (6). Last evaluated 2026-02-03.

Conditions:
COG5-congenital disorder of glycosylation. Also called: COG5-CDG; CDG IIi; CONGENITAL DISORDER OF GLYCOSYLATION, TYPE IIi. Identifiers: Orphanet 263487, MedGen C3150876, MONDO:0013325, OMIM 613612.

Allele frequency attached by ClinVar (database versions not stated): 1000 Genomes Project 30x 0.24797; 1000 Genomes Project 0.24880; ExAC 0.26513; ESP Exome Variant Server 0.26565; gnomAD 0.26626 and 0.26803; TOPMed 0.26817; gnomAD exomes 0.27077.
gnomAD v4.1: 449,082 of 1,607,840 alleles (28%); highest among the groups gnomAD compares: East Asian, 31%; 64,161 homozygotes.

Submissions (6):

Labcorp Genetics (formerly Invitae), Labcorp
Classification: Benign for COG5-congenital disorder of glycosylation. Last evaluated: 2026-02-03. Review status: criteria provided, single submitter. Criteria: Invitae Variant Classification Sherloc (09022015). Collection method: clinical testing. Allele origin: germline.

Blueprint Genetics
Classification: Benign. Last evaluated: 2024-11-27. Review status: criteria provided, single submitter. Criteria: ACMG Guidelines, 2015. Collection method: clinical testing. Allele origin: germline.

Mayo Clinic Laboratories, Mayo Clinic
Classification: Benign. Last evaluated: 2019-01-02. Review status: criteria provided, single submitter. Criteria: ACMG Guidelines, 2015. Collection method: clinical testing. Allele origin: germline. Observed: 28 variant alleles.

Illumina Laboratory Services, Illumina
Classification: Benign for COG5-congenital disorder of glycosylation. Last evaluated: 2018-01-12. Review status: criteria provided, single submitter. Criteria: ICSL Variant Classification Criteria 13 December 2019. Collection method: clinical testing. Allele origin: germline.
Comment: This variant was observed in the ICSL laboratory as part of a predisposition screen in an ostensibly healthy population. It had not been previously curated by ICSL or reported in the Human Gene Mutation Database (HGMD: prior to June 1st, 2018), and was therefore a candidate for classification through an automated scoring system. Utilizing variant allele frequency, disease prevalence and penetrance estimates, and inheritance mode, an automated score was calculated to assess if this variant is too frequent to cause the disease. Based on the score and internal cut-off values, a variant classified as benign is not then subjected to further curation. The score for this variant resulted in a classification of benign for this disease.

GeneDx
Classification: Benign. Last evaluated: 2015-12-04. Review status: criteria provided, single submitter. Criteria: GeneDx Variant Classification (06012015). Collection method: clinical testing. Allele origin: germline. Affected: yes.
Comment: This variant is considered likely benign or benign based on one or more of the following criteria: it is a conservative change, it occurs at a poorly conserved position in the protein, it is predicted to be benign by multiple in silico algorithms, and/or has population frequency not consistent with disease.

Breakthrough Genomics
Classification: Benign. Review status: criteria provided, single submitter. Criteria: ACMG Guidelines, 2015. Collection method: not provided. Allele origin: germline. Inheritance: Autosomal recessive inheritance. Affected: yes.